The following is an entry in ClinVar:

ClinVar aggregate classification (germline): Likely benign. Review status: criteria provided, single submitter (1 of 4 stars). 2 submissions from 2 submitters: Likely benign (1). 1 of the submissions does not count toward it. Last evaluated 2024-11-25.

Conditions:
ZFHX3-related disorder. Also called: ZFHX3-related condition.

Submissions (2):

Blueprint Genetics
Classification: Likely benign. Last evaluated: 2024-11-25. Review status: criteria provided, single submitter. Criteria: ACMG Guidelines, 2015. Collection method: clinical testing. Allele origin: germline.

PreventionGenetics, part of Exact Sciences
Classification: Benign for ZFHX3-related condition. Last evaluated: 2020-01-06. Review status: no assertion criteria provided. Collection method: clinical testing. Allele origin: germline. Not counted in ClinVar's aggregate classification.
Comment: This variant is classified as benign based on ACMG/AMP sequence variant interpretation guidelines (Richards et al. 2015 PMID: 25741868, with internal and published modifications).

NM_006885.4(ZFHX3):c.10558GGC[7] (p.Gly3527del)

Genes: ZFHX3 (zinc finger homeobox 3; minus strand), ZFHX3-AS1 (ZFHX3 antisense RNA 1; plus strand). Cytogenetic location: 16q22.2.
Variant type: Microsatellite.
Coding change: c.10558GGC[7] on transcript NM_006885.4 (MANE Select); seven copies in a row of the 3-base unit GGC starting at c.10558; the reference has eight copies in a row; one copy, 3 bases deleted.
Protein change: p.Gly3527del; deletes glycine 3527.
Molecular consequence: inframe deletion.
Genome position (GRCh38, 1-based): chr16:72,787,695-72,787,697, GCC deleted on the plus strand (GGC on the coding strand, the reverse complement: ZFHX3 is on the minus strand); deleting any 3 consecutive bases within chr16:72,787,695-72,787,718 gives the same sequence; the position shown is the placement nearest the transcript's 3' end. VCF-style (leftmost placement, unchanged base first): chr16-72787694-AGCC-A. GRCh37 (hg19) VCF-style: chr16-72821593-AGCC-A.
Other names: c.7816GGC[7], p.Gly2613del (NM_001164766.2); c.10558GGC[7], p.Gly3527del (NM_001386735.1); c.10579_10581delGGC (NM_006885.3); short protein forms G2613del, G3527del.
Identifiers: ClinVar variation 3057090 (VCV003057090.3), dbSNP rs374416547, ClinGen allele CA8162363.
Genomic context (GRCh38, chr16:72,787,694, plus strand): 5'-GATGTTGACTCAGAGCTTCCTCCCCACAGAGCGCGCTCTCGCACGCCAGGCAGTGGTACG[AGCC>A]GCCGCCGCCGCCGCCGCCGCCACCGCCGCCGCCGCCGCCACTGCCACCGCCGCCGCCGCC-3'